The following is an entry in ClinVar:

ClinVar aggregate classification (germline): Conflicting classifications of pathogenicity. Review status: criteria provided, conflicting classifications (1 of 4 stars). 6 submissions from 6 submitters: Uncertain significance (4); Likely benign (2). Last evaluated 2026-06-16.

Conditions:
Polyps, multiple and recurrent inflammatory fibroid, gastrointestinal. Identifiers: MedGen C5193005, MONDO:0008285, OMIM 175510.
PDGFRA-related disorder. Also called: PDGFRA-related condition.
Hereditary cancer-predisposing syndrome. Also called: Neoplastic Syndromes, Hereditary; Hereditary neoplastic syndrome; Hereditary Cancer Syndrome; Tumor predisposition. Identifiers: Orphanet 140162, MedGen C0027672, MeSH D009386, MONDO:0015356.
Gastrointestinal stromal tumor. Also called: Gastrointestinal stromal tumor, somatic; Gastrointestinal stroma tumor. Identifiers: Orphanet 44890, MedGen C0238198, MeSH D046152, MONDO:0011719, OMIM 606764, HP:0100723.

Allele frequency attached by ClinVar (database versions not stated): gnomAD 0.00003 and 0.00004; ExAC 0.00004; TOPMed 0.00005; gnomAD exomes 0.00007; ESP Exome Variant Server 0.00008.
gnomAD v4.1: 104 of 1,613,732 alleles (0.0064%); highest among the groups gnomAD compares: Middle Eastern, 0.049%; no homozygotes.

Submissions (6):

Myriad Genetics, Inc.
Classification: Likely benign for Polyps, multiple and recurrent inflammatory fibroid, gastrointestinal. Last evaluated: 2026-06-16. Review status: criteria provided, single submitter. Criteria: Myriad Autosomal Dominant, Autosomal Recessive and X-Linked Classification Criteria (2023). Collection method: clinical testing. Allele origin: unknown.
Comment: This variant is considered likely benign. This variant has been observed at a population frequency that is significantly greater than expected given the associated disease prevalence and penetrance.

Labcorp Genetics (formerly Invitae), Labcorp
Classification: Uncertain significance for Gastrointestinal stromal tumor. Last evaluated: 2026-01-15. Review status: criteria provided, single submitter. Criteria: Invitae Variant Classification Sherloc (09022015). Collection method: clinical testing. Allele origin: germline.
Comment: This sequence change replaces aspartic acid, which is acidic and polar, with asparagine, which is neutral and polar, at codon 1071 of the PDGFRA protein (p.Asp1071Asn). This variant is present in population databases (rs376544204, gnomAD 0.01%). This variant has not been reported in the literature in individuals affected with PDGFRA-related conditions. ClinVar contains an entry for this variant (Variation ID: 240346). An algorithm developed to predict the effect of missense changes on protein structure and function (PolyPhen-2) suggests that this variant is likely to be tolerated. Experimental studies have shown that this missense change does not substantially affect PDGFRA function (PMID: 23752188). In summary, the available evidence is currently insufficient to determine the role of this variant in disease. Therefore, it has been classified as a Variant of Uncertain Significance.

PreventionGenetics, part of Exact Sciences
Classification: Uncertain significance for PDGFRA-related condition. Last evaluated: 2025-09-09. Review status: criteria provided, single submitter. Criteria: ACMG Guidelines, 2015. Collection method: clinical testing. Allele origin: germline.
Comment: The PDGFRA c.3211G>A variant is predicted to result in the amino acid substitution p.Asp1071Asn. This variant has not been reported in the literature in individuals affected with PDGFRA associated conditions. Functional studies have shown that this alteration does not substantially affect PDGFRA function (Velghe et al. 2013. PubMed ID: 23752188). This variant is reported in 0.0098% of alleles in individuals of South Asian descent in gnomAD and has conflicting interpretations regarding its pathogenicity in ClinVar, ranging from likely benign to uncertain (Variation ID: 240346). At this time, the clinical significance of this variant is uncertain due to the absence of conclusive functional and genetic evidence.

GeneDx
Classification: Uncertain significance. Last evaluated: 2024-05-24. Review status: criteria provided, single submitter. Criteria: GeneDx Variant Classification Process June 2021. Collection method: clinical testing. Allele origin: germline. Affected: yes.
Comment: In silico analysis indicates that this missense variant does not alter protein structure/function; Published functional studies suggest no significant impact on PDGFRA protein abundance, localization and activity (PMID: 23752188); This variant is associated with the following publications: (PMID: 29719410, 23199529, 26968814, 25197404, 24672248, 23401433, 22346343, 23752188)

Baylor Genetics
Classification: Uncertain significance for Gastrointestinal stromal tumor. Last evaluated: 2020-05-05. Review status: criteria provided, single submitter. Criteria: ACMG Guidelines, 2015. Collection method: clinical testing. Allele origin: unknown. Affected: yes.
Comment: This variant was determined to be of uncertain significance according to ACMG Guidelines, 2015 [PMID:25741868].

Ambry Genetics
Classification: Likely benign for Hereditary cancer-predisposing syndrome. Last evaluated: 2019-09-20. Review status: criteria provided, single submitter. Criteria: Ambry Variant Classification Scheme 2023. Collection method: clinical testing. Allele origin: germline.

Literature cited by the submitters: PubMed 23752188 (cited by Labcorp Genetics (formerly Invitae), Labcorp and Ambry Genetics).

NM_006206.6(PDGFRA):c.3211G>A (p.Asp1071Asn)

Gene: PDGFRA (platelet derived growth factor receptor alpha; plus strand). Cytogenetic location: 4q12.
Variant type: single nucleotide variant.
Coding change: c.3211G>A on transcript NM_006206.6 (MANE Select); coding-DNA position 3211, G replaced by A.
Protein change: p.Asp1071Asn; replaces aspartic acid 1071 with asparagine.
Molecular consequence: missense variant.
Genome position (GRCh38, 1-based): chr4:54,295,213, G>A. VCF-style: chr4-54295213-G-A. GRCh37 (hg19) VCF-style: chr4-55161380-G-A.
Other names: c.3286G>A, p.Asp1096Asn (NM_001347828.2); c.3211G>A, p.Asp1071Asn (NM_001347829.2); c.3250G>A, p.Asp1084Asn (NM_001347830.2); c.3211G>A (NM_006206.5); short protein forms D1071N, D1084N, D1096N.
Identifiers: ClinVar variation 240346 (VCV000240346.19), dbSNP rs376544204, ClinGen allele CA2923060.